The following is an entry in ClinVar:

GRCh38/hg38 15q11.2(chr15:22600363-23122763)x1

Genes: CYFIP1 (cytoplasmic FMR1 interacting protein 1; minus strand), NIPA1 (NIPA magnesium transporter 1; plus strand), NIPA2 (NIPA magnesium transporter 2; plus strand), TUBGCP5 (tubulin gamma complex component 5; minus strand), LOC112272575 (Sharpr-MPRA regulatory region 8478; plus strand) and 15 more. Cytogenetic location: 15q11.2.
Variant type: copy number loss.
Change: copy number 1 (one copy instead of two) of chr15:22,600,363-23,122,763 (522.4 kb, GRCh38 coordinates, 1-based), cytogenetic band 15q11.2.
Identifiers: ClinVar variation 4852066 (VCV004852066.1).

ClinVar aggregate classification (germline): Pathogenic (1 of 4 stars; one submission).

Submission:

Clinical Genomics Laboratory, Laboratory for Precision Diagnostics, University of Washington
Classification: Pathogenic. Last evaluated: 2022-11-02. Review status: criteria provided, single submitter. Criteria: ACMG/ClinGen CNV Guidelines, 2019. Collection method: clinical testing. Allele origin: paternal. Affected: yes. Observed: 1 variant allele.
Comment: This is the 15q11.2 BP1-BP2 microdeletion.

Literature cited by the submitters: PubMed 21841781; PubMed 25689425; PubMed 31665216; PubMed 31451536; PubMed 23258348; PubMed 25596525.